The following is an entry in ClinVar:

NM_177924.5(ASAH1):c.898G>A (p.Glu300Lys)

Gene: ASAH1 (N-acylsphingosine amidohydrolase 1; minus strand). Cytogenetic location: 8p22.
Variant type: single nucleotide variant.
Coding change: c.898G>A on transcript NM_177924.5 (MANE Select); coding-DNA position 898, G replaced by A.
Protein change: p.Glu300Lys; replaces glutamic acid 300 with lysine.
Molecular consequence: missense variant.
Genome position (GRCh38, 1-based): chr8:18,059,591, C>T on the plus strand (G>A on the coding strand, the complement: ASAH1 is on the minus strand). VCF-style: chr8-18059591-C-T. GRCh37 (hg19) VCF-style: chr8-17917100-C-T.
Other names: c.880G>A, p.Glu294Lys (NM_001127505.3); c.703G>A, p.Glu235Lys (NM_001363743.2); c.946G>A, p.Glu316Lys (NM_004315.6); short protein forms E300K, E294K, E316K, E235K.
Identifiers: ClinVar variation 908494 (VCV000908494.7), dbSNP rs1799608413, ClinGen allele CA370427871.

ClinVar aggregate classification (germline): Conflicting classifications of pathogenicity. Review status: criteria provided, conflicting classifications (1 of 4 stars). 3 submissions from 3 submitters: Uncertain significance (2); Likely benign (1). Last evaluated 2024-08-22.

Conditions:
Farber lipogranulomatosis (FRBRL). Also called: Farber's lipogranulomatosis; Farber's disease; Farber disease; AC DEFICIENCY; ACID CERAMIDASE DEFICIENCY; CERAMIDASE DEFICIENCY. Identifiers: Orphanet 333, MedGen C0268255, MONDO:0009218, OMIM 228000.

gnomAD v4.1: 2 of 1,614,162 alleles (0.00012%); highest among the groups gnomAD compares: Admixed American, 0.0017%; no homozygotes.

Submissions (3):

Blueprint Genetics
Classification: Likely benign. Last evaluated: 2024-08-22. Review status: criteria provided, single submitter. Criteria: ACMG Guidelines, 2015. Collection method: clinical testing. Allele origin: germline.

Labcorp Genetics (formerly Invitae), Labcorp
Classification: Uncertain significance. Last evaluated: 2022-08-09. Review status: criteria provided, single submitter. Criteria: Invitae Variant Classification Sherloc (09022015). Collection method: clinical testing. Allele origin: germline.
Comment: This sequence change replaces glutamic acid, which is acidic and polar, with lysine, which is basic and polar, at codon 300 of the ASAH1 protein (p.Glu300Lys). This variant is not present in population databases (gnomAD no frequency). This variant has not been reported in the literature in individuals affected with ASAH1-related conditions. ClinVar contains an entry for this variant (Variation ID: 908494). Algorithms developed to predict the effect of missense changes on protein structure and function output the following: SIFT: "Tolerated"; PolyPhen-2: "Benign"; Align-GVGD: "Class C0". The lysine amino acid residue is found in multiple mammalian species, which suggests that this missense change does not adversely affect protein function. In summary, the available evidence is currently insufficient to determine the role of this variant in disease. Therefore, it has been classified as a Variant of Uncertain Significance.

Illumina Laboratory Services, Illumina
Classification: Uncertain significance for Farber lipogranulomatosis. Last evaluated: 2018-01-13. Review status: criteria provided, single submitter. Criteria: ICSL Variant Classification Criteria 13 December 2019. Collection method: clinical testing. Allele origin: germline.